The following is an entry in ClinVar:

NM_000018.4(ACADVL):c.1678+1G>A

Gene: ACADVL (acyl-CoA dehydrogenase very long chain; plus strand). Cytogenetic location: 17p13.1.
Variant type: single nucleotide variant.
Coding change: c.1678+1G>A on transcript NM_000018.4 (MANE Select); the canonical splice donor site of the intron after coding-DNA position 1678, G replaced by A.
Molecular consequence: splice donor variant.
Genome position (GRCh38, 1-based): chr17:7,224,553, G>A. VCF-style: chr17-7224553-G-A. GRCh37 (hg19) VCF-style: chr17-7127872-G-A.
Other names: c.1747+1G>A (NM_001270447.2); c.1450+1G>A (NM_001270448.2); c.1612+1G>A (NM_001033859.3); c.1678+1G>A (NM_000018.3).
Identifiers: ClinVar variation 3240838 (VCV003240838.2), dbSNP rs113235875.

ClinVar aggregate classification (germline): Likely pathogenic. Review status: criteria provided, multiple submitters, no conflicts (2 of 4 stars). 2 submissions from 2 submitters: Likely pathogenic (2). Last evaluated 2024-10-08.

Conditions:
Very long chain acyl-CoA dehydrogenase deficiency (ACADVLD). Also called: VLCAD Deficiency; Very Long-Chain Acyl-Coenzyme A Dehydrogenase Deficiency. Identifiers: Orphanet 26793, MedGen C3887523, MONDO:0008723, OMIM 201475.

Submissions (2):

Natera, Inc.
Classification: Likely pathogenic for Very long chain acyl-CoA dehydrogenase deficiency. Last evaluated: 2024-10-08. Review status: criteria provided, single submitter. Criteria: Natera Variant Classification Schema (03/2026). Collection method: clinical testing. Allele origin: germline.
Comment: The c.1678+1G>A variant in ACADVL is a canonical splice donor site variant predicted to affect pre-mRNA splicing, which may result in an abnormal transcript and altered protein product. This variant is expected to result in nonsense mediated decay, truncation, or a dysfunctional protein product. This variant is rare in the general population with a frequency below the threshold expected for the associated phenotype(s). Given the available evidence, this variant is classified as Likely Pathogenic.

Baylor Genetics
Classification: Likely pathogenic for Very long chain acyl-CoA dehydrogenase deficiency. Last evaluated: 2024-03-28. Review status: criteria provided, single submitter. Criteria: ACMG Guidelines, 2015. Collection method: clinical testing. Allele origin: unknown.